The following is an entry in ClinVar:

ClinVar aggregate classification (germline): Pathogenic/Likely pathogenic. Review status: criteria provided, multiple submitters, no conflicts (2 of 4 stars). 3 submissions from 3 submitters: Pathogenic (1); Likely pathogenic (1). 1 of the submissions does not count toward it. Last evaluated 2026-05-02.

Conditions:
Coffin-Siris syndrome 7. Identifiers: MedGen C4747954, MONDO:0054831, OMIM 618027.
Inborn genetic diseases. Identifiers: MedGen C0950123, MeSH D030342.

Allele frequency attached by ClinVar (database versions not stated): gnomAD exomes below 0.00001.
gnomAD v4.1: 1 of 1,614,098 alleles (0.000062%); highest among the groups gnomAD compares: Non-Finnish European, 0.000085%; no homozygotes.

Submissions (3):

Clinical Genomics Laboratory, Washington University in St. Louis
Classification: Pathogenic for Coffin-Siris syndrome 7. Last evaluated: 2026-05-02. Review status: criteria provided, single submitter. Criteria: ACMG Guidelines, 2015. Collection method: clinical testing. Allele origin: germline. Affected: yes.
Comment: The DPF2 c.1049G>A (p.Arg350His) variant has been reported as occurring de novo in one individual affected with CSS7 (Vasileiou G et al., PMID: 29429572). This variant has been reported in the ClinVar database as a germline pathogenic variant by one submitter and as a likely pathogenic variant by one submitter. This variant is absent from the general population (gnomAD v2.1.1), indicating it is not a common variant. Computational predictors indicate that the variant is damaging, evidence that correlates with impact to DPF2 function. Functional studies show impaired histone-tail binding and disruption of BAF complex function in HEK293 and COS-7 cell overexpression systems, as well as in in vitro histone peptide pull-down assays, indicating that this variant impacts protein function (Vasileiou G et al., PMID: 29429572). Based on available information and the ACMG/AMP guidelines for variant interpretation (Richards S et al., PMID: 25741868), this variant is classified as pathogenic.

Ambry Genetics
Classification: Likely pathogenic for Inborn genetic diseases. Last evaluated: 2019-02-07. Review status: criteria provided, single submitter. Criteria: Ambry exome assertion method (8-5-2015). Collection method: clinical testing. Allele origin: germline. Affected: yes. Observed: 1 variant allele.

OMIM
Classification: Pathogenic for COFFIN-SIRIS SYNDROME 7. Last evaluated: 2018-06-28. Review status: no assertion criteria provided. Collection method: literature only. Allele origin: germline. Not counted in ClinVar's aggregate classification.

Literature cited by the submitters: PubMed 29429572 (cited by Ambry Genetics and OMIM).

NM_006268.5(DPF2):c.1049G>A (p.Arg350His)

Gene: DPF2 (double PHD fingers 2; plus strand). Cytogenetic location: 11q13.1.
Variant type: single nucleotide variant.
Coding change: c.1049G>A on transcript NM_006268.5 (MANE Select); coding-DNA position 1049, G replaced by A.
Protein change: p.Arg350His; replaces arginine 350 with histidine.
Molecular consequence: missense variant.
Genome position (GRCh38, 1-based): chr11:65,348,881, G>A. VCF-style: chr11-65348881-G-A. GRCh37 (hg19) VCF-style: chr11-65116352-G-A.
Other names: c.1091G>A, p.Arg364His (NM_001330308.2); short protein forms R350H, R364H.
Identifiers: ClinVar variation 545684 (VCV000545684.5), dbSNP rs1555032051, ClinGen allele CA381232500.